The following is an entry in ClinVar:

NM_002294.3(LAMP2):c.965A>T (p.Asp322Val)

Gene: LAMP2 (lysosome associated membrane protein 2; minus strand). Cytogenetic location: Xq24.
Variant type: single nucleotide variant.
Coding change: c.965A>T on transcript NM_002294.3 (MANE Select); coding-DNA position 965, A replaced by T.
Protein change: p.Asp322Val; replaces aspartic acid 322 with valine.
Molecular consequence: missense variant.
Genome position (GRCh38, 1-based): chrX:120,441,858, T>A on the plus strand (A>T on the coding strand, the complement: LAMP2 is on the minus strand). VCF-style: chrX-120441858-T-A. GRCh37 (hg19) VCF-style: chrX-119575713-T-A.
Other names: c.965A>T, p.Asp322Val (NM_001122606.1, NM_013995.2); short protein forms D322V.
Identifiers: ClinVar variation 2141536 (VCV002141536.5), dbSNP rs190221827, ClinGen allele CA335013107.

ClinVar aggregate classification (germline): Uncertain significance. Review status: criteria provided, multiple submitters, no conflicts (2 of 4 stars). 2 submissions from 2 submitters: Uncertain significance (2). Last evaluated 2025-12-16.

Conditions:
Danon disease. Also called: PSEUDOGLYCOGENOSIS II; GSD IIb; LYSOSOMAL GLYCOGEN STORAGE DISEASE WITHOUT ACID MALTASE DEFICIENCY; ANTOPOL DISEASE; Glycogen Storage Disease Type IIb. Identifiers: Orphanet 34587, MedGen C0878677, MONDO:0010281, OMIM 300257.

Allele frequency attached by ClinVar (database versions not stated): gnomAD exomes below 0.00001; TOPMed 0.00001; 1000 Genomes Project 30x 0.00021; 1000 Genomes Project 0.00026.
gnomAD v4.1: 9 of 1,208,767 alleles (0.00074%); highest among the groups gnomAD compares: African/African-American, 0.0087%; no homozygotes.

Submissions (2):

Labcorp Genetics (formerly Invitae), Labcorp
Classification: Uncertain significance for Danon disease. Last evaluated: 2025-12-16. Review status: criteria provided, single submitter. Criteria: Invitae Variant Classification Sherloc (09022015). Collection method: clinical testing. Allele origin: germline.
Comment: This sequence change replaces aspartic acid, which is acidic and polar, with valine, which is neutral and non-polar, at codon 322 of the LAMP2 protein (p.Asp322Val). This variant is not present in population databases (gnomAD no frequency). This variant has not been reported in the literature in individuals affected with LAMP2-related conditions. ClinVar contains an entry for this variant (Variation ID: 2141536). Invitae Evidence Modeling of protein sequence and biophysical properties (such as structural, functional, and spatial information, amino acid conservation, physicochemical variation, residue mobility, and thermodynamic stability) indicates that this missense variant is expected to disrupt LAMP2 protein function with a positive predictive value of 80%. In summary, the available evidence is currently insufficient to determine the role of this variant in disease. Therefore, it has been classified as a Variant of Uncertain Significance.

Blueprint Genetics
Classification: Uncertain significance. Last evaluated: 2021-12-15. Review status: criteria provided, single submitter. Criteria: ACMG Guidelines, 2015. Collection method: clinical testing. Allele origin: germline.